The following is an entry in ClinVar:

NM_080860.4(RSPH1):c.326A>G (p.Asn109Ser)

Gene: RSPH1 (radial spoke head component 1; minus strand). Cytogenetic location: 21q22.3.
Variant type: single nucleotide variant.
Coding change: c.326A>G on transcript NM_080860.4 (MANE Select); coding-DNA position 326, A replaced by G.
Protein change: p.Asn109Ser; replaces asparagine 109 with serine.
Molecular consequence: missense variant.
Genome position (GRCh38, 1-based): chr21:42,486,410, T>C on the plus strand (A>G on the coding strand, the complement: RSPH1 is on the minus strand). VCF-style: chr21-42486410-T-C. GRCh37 (hg19) VCF-style: chr21-43906520-T-C.
Other names: c.212A>G, p.Asn71Ser (NM_001286506.2); c.326A>G (NM_080860.2); short protein forms N109S, N71S.
Identifiers: ClinVar variation 3017752 (VCV003017752.4), dbSNP rs559461972, ClinGen allele CA10043978.

ClinVar aggregate classification (germline): Uncertain significance. Review status: criteria provided, multiple submitters, no conflicts (2 of 4 stars). 2 submissions from 2 submitters: Uncertain significance (2). Last evaluated 2023-12-08.

Conditions:
Primary ciliary dyskinesia. Also called: Ciliary dyskinesia. Identifiers: Orphanet 244, MedGen C0008780, MONDO:0016575, HP:0012265.
Inborn genetic diseases. Identifiers: MedGen C0950123, MeSH D030342.

Allele frequency attached by ClinVar (database versions not stated): ExAC 0.00002; gnomAD 0.00003; 1000 Genomes Project 30x 0.00016; 1000 Genomes Project 0.00020.

Submissions (2):

Ambry Genetics
Classification: Uncertain significance for Inborn genetic diseases. Last evaluated: 2023-12-08. Review status: criteria provided, single submitter. Criteria: Ambry Variant Classification Scheme 2023. Collection method: clinical testing. Allele origin: germline.

Labcorp Genetics (formerly Invitae), Labcorp
Classification: Uncertain significance for Primary ciliary dyskinesia. Last evaluated: 2023-10-05. Review status: criteria provided, single submitter. Criteria: Invitae Variant Classification Sherloc (09022015). Collection method: clinical testing. Allele origin: germline.
Comment: This sequence change replaces asparagine, which is neutral and polar, with serine, which is neutral and polar, at codon 109 of the RSPH1 protein (p.Asn109Ser). This variant is present in population databases (rs559461972, gnomAD 0.01%), including at least one homozygous and/or hemizygous individual. This variant has not been reported in the literature in individuals affected with RSPH1-related conditions. An algorithm developed to predict the effect of missense changes on protein structure and function (PolyPhen-2) suggests that this variant is likely to be disruptive. In summary, the available evidence is currently insufficient to determine the role of this variant in disease. Therefore, it has been classified as a Variant of Uncertain Significance.